The following is an entry in ClinVar:

NM_004333.6(BRAF):c.70G>A (p.Glu24Lys)

Gene: BRAF (B-Raf proto-oncogene, serine/threonine kinase; minus strand). Cytogenetic location: 7q34.
Variant type: single nucleotide variant.
Coding change: c.70G>A on transcript NM_004333.6 (MANE Select); coding-DNA position 70, G replaced by A.
Protein change: p.Glu24Lys; replaces glutamic acid 24 with lysine.
Molecular consequence: missense variant.
Genome position (GRCh38, 1-based): chr7:140,924,634, C>T on the plus strand (G>A on the coding strand, the complement: BRAF is on the minus strand). VCF-style: chr7-140924634-C-T. GRCh37 (hg19) VCF-style: chr7-140624434-C-T.
Other names: p.E24K:GAG>AAG; c.70G>A, p.Glu24Lys (NM_001354609.2, NM_001374244.1, NM_001374258.1 and 7 more transcripts); short protein forms E24K.
Identifiers: ClinVar variation 180790 (VCV000180790.2), dbSNP rs730880416, ClinGen allele CA295916.
Genomic context (GRCh38, chr7:140,924,634, plus strand): 5'-GAATGGCAGGGTCCGCAGCCGAAGAGGCCGCGGCGCCGGCGCCGGCGCCGGCCTCGGGCT[C>T]CATGTCCCCGTTGAACAGAGCCTGGCCCGGCTCCGCGCCGCCACCACCGCCACCGCTCAG-3'
Protein context (NP_004324.2, residues 14-34): PGQALFNGDM[Glu24Lys]PEAGAGAGAA

ClinVar aggregate classification (germline): Uncertain significance (1 of 4 stars; one submission).

Submission:

GeneDx
Classification: Uncertain significance. Last evaluated: 2014-07-14. Review status: criteria provided, single submitter. Criteria: GeneDx Variant Classification (06012015). Collection method: clinical testing. Allele origin: germline. Affected: yes.
Comment: The E24K variant has not been published as a mutation, nor has it been reported as a benign polymorphism to our knowledge. The E24K variant was not observed in approximately 2,700 individuals of European and African American ancestry in the NHLBI Exome Sequencing Project, indicating it is not a common benign variant in these populations. The E24K variant is a non-conservative amino acid substitution, which is likely to impact secondary protein structure as these residues differ in polarity, charge, size and/or other properties. A missense mutation in a nearby residue (S36C) has been reported in association with hypertrophic cardiomyopathy, supporting the functional importance of this region of the protein. However, this substitution occurs at a position that is not conserved across species and in silico analysis predicts this variant likely does not alter the protein structure/function. The variant is found in CARDIOMYOPATHY panel(s).